The following is an entry in ClinVar:

NM_014956.5(CEP164):c.3379C>T (p.Arg1127Trp)

Gene: CEP164 (centrosomal protein 164; plus strand). Cytogenetic location: 11q23.3.
Variant type: single nucleotide variant.
Coding change: c.3379C>T on transcript NM_014956.5 (MANE Select); coding-DNA position 3379, C replaced by T.
Protein change: p.Arg1127Trp; replaces arginine 1127 with tryptophan.
Molecular consequence: missense variant.
Genome position (GRCh38, 1-based): chr11:117,397,191, C>T. VCF-style: chr11-117397191-C-T. GRCh37 (hg19) VCF-style: chr11-117267907-C-T.
Other names: c.3388C>T, p.Arg1130Trp (NM_001271933.2); c.3385C>T, p.Arg1129Trp (NM_001440949.1); c.3379C>T, p.Arg1127Trp (NM_001440950.1, NM_001440951.1, NM_001440953.1); c.3211C>T, p.Arg1071Trp (NM_001440952.1, NM_001440969.1); c.3301C>T, p.Arg1101Trp (NM_001440954.1, NM_001440955.1, NM_001440958.1 and 1 more transcripts); c.3292C>T, p.Arg1098Trp (NM_001440956.1); c.3289C>T, p.Arg1097Trp (NM_001440957.1); c.3250C>T, p.Arg1084Trp (NM_001440960.1); and 13 more; short protein forms R1002W, R1007W, R1097W, R1098W, R1101W, R1129W, R1071W, R1072W.
Identifiers: ClinVar variation 4612946 (VCV004612946.2).
Genomic context (GRCh38, chr11:117,397,191, plus strand): 5'-GGGGTAGCCCTCCGTAGTGCCAAGGAGTTCCTTGTGCAGCAGACACGCTCCATGCGGAGG[C>T]GGCAGACAGCTCTGAAAGCTGCCCAGCAGCATTGGCGCCATGAGCTGGCCAGTGCGCAGG-3'
Protein context (NP_055771.4, residues 1117-1137): LVQQTRSMRR[Arg1127Trp]QTALKAAQQH

ClinVar aggregate classification (germline): Uncertain significance. Review status: criteria provided, multiple submitters, no conflicts (2 of 4 stars). 2 submissions from 2 submitters: Uncertain significance (2). Last evaluated 2026-08-24.

Conditions:
CEP164-related disorder. Also called: CEP164-related condition.
Inborn genetic diseases. Identifiers: MedGen C0950123, MeSH D030342.

gnomAD v4.1: 29 of 1,614,202 alleles (0.0018%); highest among the groups gnomAD compares: Middle Eastern, 0.016%; no homozygotes.

Submissions (2):

PreventionGenetics, part of Exact Sciences
Classification: Uncertain significance for CEP164-related condition. Last evaluated: 2026-08-24. Review status: criteria provided, single submitter. Criteria: ACMG Guidelines, 2015. Collection method: clinical testing. Allele origin: germline.
Comment: The CEP164 c.3379C>T variant is predicted to result in the amino acid substitution p.Arg1127Trp. To our knowledge, this variant has not been reported in the literature. This variant is reported in 0.016% of alleles in individuals of South Asian descent in gnomAD. At this time, the clinical significance of this variant is uncertain due to the absence of conclusive functional and genetic evidence.

Ambry Genetics
Classification: Uncertain significance for Inborn genetic diseases. Last evaluated: 2025-10-21. Review status: criteria provided, single submitter. Criteria: Ambry Variant Classification Scheme 2023. Collection method: clinical testing. Allele origin: germline.